The following is an entry in ClinVar:

NM_001130004.2(ACTN1):c.1780A>C (p.Thr594Pro)

Gene: ACTN1 (actinin alpha 1; minus strand). Cytogenetic location: 14q24.1.
Variant type: single nucleotide variant.
Coding change: c.1780A>C on transcript NM_001130004.2 (MANE Select); coding-DNA position 1780, A replaced by C.
Protein change: p.Thr594Pro; replaces threonine 594 with proline.
Molecular consequence: missense variant. On other transcripts: intron variant (5).
Genome position (GRCh38, 1-based): chr14:68,882,911, T>G on the plus strand (A>C on the coding strand, the complement: ACTN1 is on the minus strand). VCF-style: chr14-68882911-T-G. GRCh37 (hg19) VCF-style: chr14-69349628-T-G.
Other names: c.1780A>C, p.Thr594Pro (NM_001102.4, NM_001130005.2, NM_001424012.1 and 2 more transcripts); c.1804A>C, p.Thr602Pro (NM_001411035.1, NM_001424016.1); c.1585A>C, p.Thr529Pro (NM_001411036.1, NM_001424026.1, NM_001424028.1); c.1906A>C, p.Thr636Pro (NM_001424013.1); c.1867A>C, p.Thr623Pro (NM_001424015.1); c.1777A>C, p.Thr593Pro (NM_001424017.1); c.1741A>C, p.Thr581Pro (NM_001424018.1); c.1717A>C, p.Thr573Pro (NM_001424020.1, NM_001424022.1); and 3 more; short protein forms T319P, T529P, T571P, T573P, T581P, T593P, T594P, T602P.
Identifiers: ClinVar variation 3371450 (VCV003371450.1).
Genomic context (GRCh38, chr14:68,882,911, plus strand): 5'-CGGCCCATGCCCTTCAACTCACGTGGTCCCATTTGCCATTGATCTCCTGAGGCGTGATGG[T>G]TGTGTAGGGGTTGGTGCCCGCCATATTGACGTGGTAGGTCTGGACAATCTTGGACACCTC-3'
Protein context (NP_001123476.1, residues 584-604): VNMAGTNPYT[Thr594Pro]ITPQEINGKW

ClinVar aggregate classification (germline): Uncertain significance (1 of 4 stars; one submission).

Submission:

GeneDx
Classification: Uncertain significance. Last evaluated: 2024-03-27. Review status: criteria provided, single submitter. Criteria: GeneDx Variant Classification Process June 2021. Collection method: clinical testing. Allele origin: germline. Affected: yes.
Comment: Not observed at significant frequency in large population cohorts (gnomAD); In silico analysis supports that this missense variant has a deleterious effect on protein structure/function; Has not been previously published as pathogenic or benign to our knowledge